The following is an entry in ClinVar:

NM_001374353.1(GLI2):c.463C>T (p.Gln155Ter)

Gene: GLI2 (GLI family zinc finger 2; plus strand). Cytogenetic location: 2q14.2.
Variant type: single nucleotide variant.
Coding change: c.463C>T on transcript NM_001374353.1 (MANE Select); coding-DNA position 463, C replaced by T.
Protein change: p.Gln155Ter; replaces glutamine 155 with a stop codon.
Molecular consequence: nonsense.
Genome position (GRCh38, 1-based): chr2:120,955,250, C>T. VCF-style: chr2-120955250-C-T. GRCh37 (hg19) VCF-style: chr2-121712826-C-T.
Other names: c.463C>T, p.Gln155Ter (NM_001371271.1, NM_005270.5); c.88C>T, p.Gln30Ter (NM_001374354.1); short protein forms Q155*, Q30*.
Identifiers: ClinVar variation 4620867 (VCV004620867.1).

ClinVar aggregate classification (germline): Pathogenic (1 of 4 stars; one submission).

Conditions:
Inborn genetic diseases. Identifiers: MedGen C0950123, MeSH D030342.

Submission:

Ambry Genetics
Classification: Pathogenic for Inborn genetic diseases. Last evaluated: 2025-10-17. Review status: criteria provided, single submitter. Criteria: Ambry Variant Classification Scheme 2023. Collection method: clinical testing. Allele origin: germline.
Comment: The c.463C>T (p.Q155*) alteration, located in exon 4 (coding exon 4) of the GLI2 gene, consists of a C to T substitution at nucleotide position 463. This changes the amino acid from a glutamine (Q) to a stop codon at amino acid position 155. This alteration is expected to result in loss of function by premature protein truncation or nonsense-mediated mRNA decay. This variant was not reported in population-based cohorts in the Genome Aggregation Database (gnomAD). Based on the available evidence, this alteration is classified as pathogenic.